The following is an entry in ClinVar:

ClinVar aggregate classification (germline): Uncertain significance (1 of 4 stars; one submission).

Conditions:
Cardiovascular phenotype. Identifiers: MedGen CN230736.

Submission:

Ambry Genetics
Classification: Uncertain significance for Cardiovascular phenotype. Last evaluated: 2025-12-30. Review status: criteria provided, single submitter. Criteria: Ambry Variant Classification Scheme 2023. Collection method: clinical testing. Allele origin: germline.
Comment: The p.V152D variant (also known as c.455T>A), located in coding exon 2 of the RBM20 gene, results from a T to A substitution at nucleotide position 455. The valine at codon 152 is replaced by aspartic acid, an amino acid with highly dissimilar properties. This amino acid position is conserved. In addition, the in silico prediction for this alteration is inconclusive. Based on the available evidence, the clinical significance of this variant remains unclear.

NM_001134363.3(RBM20):c.455T>A (p.Val152Asp)

Gene: RBM20 (RNA binding motif protein 20; plus strand). Cytogenetic location: 10q25.2.
Variant type: single nucleotide variant.
Coding change: c.455T>A on transcript NM_001134363.3 (MANE Select); coding-DNA position 455, T replaced by A.
Protein change: p.Val152Asp; replaces valine 152 with aspartic acid.
Molecular consequence: missense variant.
Genome position (GRCh38, 1-based): chr10:110,781,064, T>A. VCF-style: chr10-110781064-T-A. GRCh37 (hg19) VCF-style: chr10-112540822-T-A.
Other names: short protein forms V152D.
Identifiers: ClinVar variation 4842215 (VCV004842215.1).